The following is an entry in ClinVar:

ClinVar aggregate classification (germline): Uncertain significance (1 of 4 stars; one submission).

Submission:

Ambry Genetics
Classification: Uncertain significance. Last evaluated: 2024-10-19. Review status: criteria provided, single submitter. Criteria: Ambry Variant Classification Scheme 2023. Collection method: clinical testing. Allele origin: germline.
Comment: The p.L1431I variant (also known as c.4291C>A), located in coding exon 12 of the MLH3 gene, results from a C to A substitution at nucleotide position 4291. The leucine at codon 1431 is replaced by isoleucine, an amino acid with highly similar properties. This amino acid position is conserved. In addition, the in silico prediction for this alteration is inconclusive. Based on the available evidence, the clinical significance of this variant remains unclear.

NM_001040108.2(MLH3):c.4291C>A (p.Leu1431Ile)

Gene: MLH3 (mutL homolog 3; minus strand). Cytogenetic location: 14q24.3.
Variant type: single nucleotide variant.
Coding change: c.4291C>A on transcript NM_001040108.2 (MANE Select); coding-DNA position 4291, C replaced by A.
Protein change: p.Leu1431Ile; replaces leucine 1431 with isoleucine.
Molecular consequence: missense variant.
Genome position (GRCh38, 1-based): chr14:75,017,153, G>T on the plus strand (C>A on the coding strand, the complement: MLH3 is on the minus strand). VCF-style: chr14-75017153-G-T. GRCh37 (hg19) VCF-style: chr14-75483856-G-T.
Other names: c.4219C>A, p.Leu1407Ile (NM_014381.3); short protein forms L1431I, L1407I.
Identifiers: ClinVar variation 3396750 (VCV003396750.1).